The following is an entry in ClinVar:

NM_001001433.3(STX16):c.*2543G>C

Genes: STX16 (syntaxin 16; plus strand), STX16-NPEPL1 (STX16-NPEPL1 readthrough (NMD candidate); plus strand). Cytogenetic location: 20q13.32.
Variant type: single nucleotide variant.
Coding change: c.*2543G>C on transcript NM_001001433.3 (MANE Select); 2543 bases downstream of the stop codon, G replaced by C.
Molecular consequence: 3 prime UTR variant. On other transcripts: non-coding transcript variant (3).
Genome position (GRCh38, 1-based): chr20:58,678,834, G>C. VCF-style: chr20-58678834-G-C. GRCh37 (hg19) VCF-style: chr20-57253890-G-C.
Other names: c.*2543G>C (NM_001134772.3, NM_001134773.3, NM_001204868.2 and 1 more transcripts).
Identifiers: ClinVar variation 339105 (VCV000339105.5), dbSNP rs75424783, ClinGen allele CA10644251.

ClinVar aggregate classification (germline): Benign (1 of 4 stars; one submission).

Conditions:
Pseudohypoparathyroidism type 1B (PHP1B). Also called: PHP IB; Pseudohypoparathyroidism Ib (PHP-Ib); Pseudohypoparathyroidism Type IB. Identifiers: Orphanet 94089, MedGen C1864100, MONDO:0011301, OMIM 603233.

Allele frequency attached by ClinVar (database versions not stated): gnomAD 0.00934 and 0.01014; 1000 Genomes Project 30x 0.00999; TOPMed 0.01087; 1000 Genomes Project 0.00879.

Submission:

Illumina Laboratory Services, Illumina
Classification: Benign for Pseudohypoparathyroidism type 1B. Last evaluated: 2018-01-13. Review status: criteria provided, single submitter. Criteria: ICSL Variant Classification Criteria 13 December 2019. Collection method: clinical testing. Allele origin: germline.
Comment: This variant was observed in the ICSL laboratory as part of a predisposition screen in an ostensibly healthy population. It had not been previously curated by ICSL or reported in the Human Gene Mutation Database (HGMD: prior to June 1st, 2018), and was therefore a candidate for classification through an automated scoring system. Utilizing variant allele frequency, disease prevalence and penetrance estimates, and inheritance mode, an automated score was calculated to assess if this variant is too frequent to cause the disease. Based on the score and internal cut-off values, a variant classified as benign is not then subjected to further curation. The score for this variant resulted in a classification of benign for this disease.